The following is an entry in ClinVar:

ClinVar aggregate classification (germline): Pathogenic (1 of 4 stars; one submission).

Conditions:
Familial adenomatous polyposis 1 (FAP1). Also called: FAMILIAL ADENOMATOUS POLYPOSIS 1, ATTENUATED; POLYPOSIS, ADENOMATOUS INTESTINAL. Identifiers: MedGen C2713442, MONDO:0021056, OMIM 175100. Disease mechanism: loss of function.

Submission:

Labcorp Genetics (formerly Invitae), Labcorp
Classification: Pathogenic for Familial adenomatous polyposis 1. Last evaluated: 2024-03-05. Review status: criteria provided, single submitter. Criteria: Invitae Variant Classification Sherloc (09022015). Collection method: clinical testing. Allele origin: germline.
Comment: This sequence change creates a premature translational stop signal (p.Pro1424Glnfs*49) in the APC gene. While this is not anticipated to result in nonsense mediated decay, it is expected to disrupt the last 1420 amino acid(s) of the APC protein. This variant is not present in population databases (gnomAD no frequency). This premature translational stop signal has been observed in individual(s) with familial adenomatous polyposis (PMID: 11960572). This variant is expected to disrupt the EB1 and HDLG binding sites, which mediate interactions with the cytoskeleton (PMID: 15311282, 17293347). While functional studies have not been performed to directly test the effect on APC protein function, this suggests that disruption of the C-terminal portion of the protein is functionally important. A different truncation (p.Tyr2645Lysfs*14) that lies downstream of this variant has been determined to be pathogenic (PMID: 9824584, 1316610, 27081525, 8381579, 22135120, Invitae). This suggests that deletion of this region of the APC protein is causative of disease. For these reasons, this variant has been classified as Pathogenic.

Literature cited by the submitters: PubMed 11960572; PubMed 15311282; PubMed 17293347; PubMed 9824584; PubMed 1316610; PubMed 27081525; PubMed 8381579; PubMed 22135120.

NM_000038.6(APC):c.4271del (p.Pro1424fs)

Gene: APC (APC regulator of Wnt signaling pathway; plus strand). Cytogenetic location: 5q22.2.
Variant type: Deletion.
Coding change: c.4271del on transcript NM_000038.6 (MANE Select); coding-DNA position 4271, one base deleted (C; older notation c.4271delC).
Protein change: p.Pro1424fs; shifts the reading frame from proline 1424.
Molecular consequence: frameshift variant. On other transcripts: non-coding transcript variant (2).
Genome position (GRCh38, 1-based): chr5:112,839,865, C deleted; the last of 2 consecutive C bases (chr5:112,839,864-112,839,865); deleting either gives the same sequence. VCF-style (leftmost placement, unchanged base first): chr5-112839863-TC-T. GRCh37 (hg19) VCF-style: chr5-112175560-TC-T.
Other names: c.4271del, p.Pro1424fs (NM_001127510.3, NM_001354895.2, NM_001407450.1); c.4217del, p.Pro1406fs (NM_001127511.3); c.4325del, p.Pro1442fs (NM_001354896.2, NM_001407447.1, NM_001407448.1 and 1 more transcripts); c.4301del, p.Pro1434fs (NM_001354897.2); c.4196del, p.Pro1399fs (NM_001354898.2); c.4187del, p.Pro1396fs (NM_001354899.2); c.4148del, p.Pro1383fs (NM_001354900.2); c.4094del, p.Pro1365fs (NM_001354901.2, NM_001407453.1); and 11 more; short protein forms P1264fs, P1323fs, P1333fs, P1383fs, P1417fs, P1442fs, P1452fs, P1141fs.
Identifiers: ClinVar variation 3720647 (VCV003720647.2).